The following is an entry in ClinVar:

ClinVar aggregate classification (germline): Uncertain significance (1 of 4 stars; one submission).

Conditions:
SLC10A1-related disorder. Also called: SLC10A1-related condition.

gnomAD v4.1: 5 of 1,614,096 alleles (0.00031%); highest among the groups gnomAD compares: Admixed American, 0.0033%; no homozygotes.

Submission:

PreventionGenetics, part of Exact Sciences
Classification: Uncertain significance for SLC10A1-related condition. Last evaluated: 2026-04-02. Review status: criteria provided, single submitter. Criteria: ACMG Guidelines, 2015. Collection method: clinical testing. Allele origin: germline.
Comment: The SLC10A1 c.217C>T variant is predicted to result in the amino acid substitution p.Pro73Ser. To our knowledge, this variant has not been reported in the literature. This variant is reported in 0.0029% of alleles in individuals of Latino descent in gnomAD. At this time, the clinical significance of this variant is uncertain due to the absence of conclusive functional and genetic evidence.

NM_003049.4(SLC10A1):c.217C>T (p.Pro73Ser)

Gene: SLC10A1 (solute carrier family 10 member 1; minus strand). Cytogenetic location: 14q24.1.
Variant type: single nucleotide variant.
Coding change: c.217C>T on transcript NM_003049.4 (MANE Select); coding-DNA position 217, C replaced by T.
Protein change: p.Pro73Ser; replaces proline 73 with serine.
Molecular consequence: missense variant.
Genome position (GRCh38, 1-based): chr14:69,796,939, G>A on the plus strand (C>T on the coding strand, the complement: SLC10A1 is on the minus strand). VCF-style: chr14-69796939-G-A. GRCh37 (hg19) VCF-style: chr14-70263656-G-A.
Other names: short protein forms P73S.
Identifiers: ClinVar variation 4990224 (VCV004990224.1).